The following is an entry in ClinVar:

ClinVar aggregate classification (germline): Uncertain significance (1 of 4 stars; one submission).

Conditions:
Aortic aneurysm, familial thoracic 7 (AAT7). Also called: AORTIC DISSECTION, FAMILIAL, WITH OR WITHOUT AORTIC ANEURYSM. Identifiers: MedGen C3151077, MONDO:0013418, OMIM 613780.

Allele frequency attached by ClinVar (database versions not stated): gnomAD exomes below 0.00001; TOPMed below 0.00001.
gnomAD v4.1: 3 of 1,614,144 alleles (0.00019%); highest among the groups gnomAD compares: Non-Finnish European, 0.00025%; no homozygotes.

Submission:

Labcorp Genetics (formerly Invitae), Labcorp
Classification: Uncertain significance for Aortic aneurysm, familial thoracic 7. Last evaluated: 2022-08-16. Review status: criteria provided, single submitter. Criteria: Invitae Variant Classification Sherloc (09022015). Collection method: clinical testing. Allele origin: germline.
Comment: In summary, the available evidence is currently insufficient to determine the role of this variant in disease. Therefore, it has been classified as a Variant of Uncertain Significance. Advanced modeling of protein sequence and biophysical properties (such as structural, functional, and spatial information, amino acid conservation, physicochemical variation, residue mobility, and thermodynamic stability) performed at Invitae indicates that this missense variant is not expected to disrupt MYLK protein function. ClinVar contains an entry for this variant (Variation ID: 1024108). This variant has not been reported in the literature in individuals affected with MYLK-related conditions. This variant is not present in population databases (gnomAD no frequency). This sequence change replaces glutamine, which is neutral and polar, with arginine, which is basic and polar, at codon 457 of the MYLK protein (p.Gln457Arg).

NM_053025.4(MYLK):c.1370A>G (p.Gln457Arg)

Gene: MYLK (myosin light chain kinase; minus strand). Cytogenetic location: 3q21.1.
Variant type: single nucleotide variant.
Coding change: c.1370A>G on transcript NM_053025.4 (MANE Select); coding-DNA position 1370, A replaced by G.
Protein change: p.Gln457Arg; replaces glutamine 457 with arginine.
Molecular consequence: missense variant. On other transcripts: intron variant (2).
Genome position (GRCh38, 1-based): chr3:123,733,042, T>C on the plus strand (A>G on the coding strand, the complement: MYLK is on the minus strand). VCF-style: chr3-123733042-T-C. GRCh37 (hg19) VCF-style: chr3-123451889-T-C.
Other names: c.842A>G, p.Gln281Arg (NM_001321309.2); c.1370A>G, p.Gln457Arg (NM_053027.4); c.1309+645A>G (NM_053028.4, NM_053026.4); short protein forms Q281R, Q457R.
Identifiers: ClinVar variation 1024108 (VCV001024108.8), dbSNP rs1475351353, ClinGen allele CA354238253.